The following is an entry in ClinVar:

NM_001077653.2(TBX20):c.526G>T (p.Asp176Tyr)

Gene: TBX20 (T-box transcription factor 20; minus strand). Cytogenetic location: 7p14.2.
Variant type: single nucleotide variant.
Coding change: c.526G>T on transcript NM_001077653.2 (MANE Select); coding-DNA position 526, G replaced by T.
Protein change: p.Asp176Tyr; replaces aspartic acid 176 with tyrosine.
Molecular consequence: missense variant.
Genome position (GRCh38, 1-based): chr7:35,248,696, C>A on the plus strand (G>T on the coding strand, the complement: TBX20 is on the minus strand). VCF-style: chr7-35248696-C-A. GRCh37 (hg19) VCF-style: chr7-35288308-C-A.
Other names: c.526G>T, p.Asp176Tyr (NM_001166220.1); short protein forms D176Y.
Identifiers: ClinVar variation 1485731 (VCV001485731.8), dbSNP rs764328696, ClinGen allele CA367264555.

ClinVar aggregate classification (germline): Uncertain significance (1 of 4 stars; one submission).

Submission:

Labcorp Genetics (formerly Invitae), Labcorp
Classification: Uncertain significance. Last evaluated: 2024-07-08. Review status: criteria provided, single submitter. Criteria: Invitae Variant Classification Sherloc (09022015). Collection method: clinical testing. Allele origin: germline.
Comment: This sequence change replaces aspartic acid, which is acidic and polar, with tyrosine, which is neutral and polar, at codon 176 of the TBX20 protein (p.Asp176Tyr). This variant is not present in population databases (gnomAD no frequency). This variant has not been reported in the literature in individuals affected with TBX20-related conditions. ClinVar contains an entry for this variant (Variation ID: 1485731). Advanced modeling of protein sequence and biophysical properties (such as structural, functional, and spatial information, amino acid conservation, physicochemical variation, residue mobility, and thermodynamic stability) performed at Invitae indicates that this missense variant is expected to disrupt TBX20 protein function with a positive predictive value of 80%. In summary, the available evidence is currently insufficient to determine the role of this variant in disease. Therefore, it has been classified as a Variant of Uncertain Significance.